The following is an entry in ClinVar:

NM_153717.3(EVC):c.*2417T>C

Gene: EVC (EvC ciliary complex subunit 1; plus strand). Cytogenetic location: 4p16.2.
Variant type: single nucleotide variant.
Coding change: c.*2417T>C on transcript NM_153717.3 (MANE Select); 2417 bases downstream of the stop codon, T replaced by C.
Molecular consequence: 3 prime UTR variant.
Genome position (GRCh38, 1-based): chr4:5,813,454, T>C. VCF-style: chr4-5813454-T-C. GRCh37 (hg19) VCF-style: chr4-5815181-T-C.
Other names: c.*2417T>C (NM_001306090.2).
Identifiers: ClinVar variation 349272 (VCV000349272.6), dbSNP rs6848370, ClinGen allele CA10621423.

ClinVar aggregate classification (germline): Benign. Review status: criteria provided, multiple submitters, no conflicts (2 of 4 stars). 2 submissions from 2 submitters: Benign (2). Last evaluated 2018-01-12.

Conditions:
Ellis-van Creveld syndrome (EVC). Also called: EVC-Related Ellis-van Creveld Syndrome; EVC2-Related Ellis-van Creveld Syndrome; MESOECTODERMAL DYSPLASIA; Chondroectodermal dysplasia. Identifiers: Orphanet 289, MedGen C0013903, MONDO:0009162, OMIM 225500.

Allele frequency attached by ClinVar (database versions not stated): 1000 Genomes Project 0.72304; 1000 Genomes Project 30x 0.72548; TOPMed 0.74410; gnomAD 0.75819; gnomAD exomes 0.83333.
gnomAD v4.1: 115,039 of 152,080 alleles (76%); highest among the groups gnomAD compares: South Asian, 83%; 43,628 homozygotes.

Submissions (2):

Illumina Laboratory Services, Illumina
Classification: Benign for Ellis-van Creveld syndrome. Last evaluated: 2018-01-12. Review status: criteria provided, single submitter. Criteria: ICSL Variant Classification Criteria 13 December 2019. Collection method: clinical testing. Allele origin: germline.
Comment: This variant was observed in the ICSL laboratory as part of a predisposition screen in an ostensibly healthy population. It had not been previously curated by ICSL or reported in the Human Gene Mutation Database (HGMD: prior to June 1st, 2018), and was therefore a candidate for classification through an automated scoring system. Utilizing variant allele frequency, disease prevalence and penetrance estimates, and inheritance mode, an automated score was calculated to assess if this variant is too frequent to cause the disease. Based on the score and internal cut-off values, a variant classified as benign is not then subjected to further curation. The score for this variant resulted in a classification of benign for this disease.

Breakthrough Genomics
Classification: Benign. Review status: criteria provided, single submitter. Criteria: ACMG Guidelines, 2015. Collection method: not provided. Allele origin: germline. Inheritance: Autosomal recessive inheritance. Affected: yes.